The following is an entry in ClinVar:

NM_001039.4(SCNN1G):c.474T>C (p.Ile158=)

Gene: SCNN1G (sodium channel epithelial 1 subunit gamma; plus strand). Cytogenetic location: 16p12.2.
Variant type: single nucleotide variant.
Coding change: c.474T>C on transcript NM_001039.4 (MANE Select); coding-DNA position 474, T replaced by C.
Protein change: p.Ile158=; no amino-acid change (isoleucine 158 retained).
Molecular consequence: synonymous variant.
Genome position (GRCh38, 1-based): chr16:23,189,527, T>C. VCF-style: chr16-23189527-T-C. GRCh37 (hg19) VCF-style: chr16-23200848-T-C.
Other names: p.Ile158=.
Identifiers: ClinVar variation 165173 (VCV000165173.22), dbSNP rs5735, ClinGen allele CA177888.

ClinVar aggregate classification (germline): Benign. Review status: criteria provided, multiple submitters, no conflicts (2 of 4 stars). 10 submissions from 9 submitters: Benign (10). Last evaluated 2026-02-04.

Conditions:
Liddle syndrome 2. Identifiers: MedGen C4748251, MONDO:0020854, OMIM 618114.
Pseudohypoaldosteronism, type IB1, autosomal recessive. Also called: Pseudohypoaldosteronism, Type I, Autosomal Recessive; Pseudohypoaldosteronism, Type I, Recessive; PHA I, AUTOSOMAL RECESSIVE; Autosomal recessive pseudohypoaldosteronism type 1. Identifiers: Orphanet 171876, Orphanet 756, MedGen C5774176, MONDO:0009917, OMIM 264350.

Allele frequency attached by ClinVar (database versions not stated): 1000 Genomes Project 30x 0.23688; 1000 Genomes Project 0.23922; TOPMed 0.26921; ESP Exome Variant Server 0.26959; gnomAD 0.27157 and 0.27247; ExAC 0.30177; gnomAD exomes 0.30603 and 0.30903.

Submissions (10):

Labcorp Genetics (formerly Invitae), Labcorp
Classification: Benign. Last evaluated: 2026-02-04. Review status: criteria provided, single submitter. Criteria: Invitae Variant Classification Sherloc (09022015). Collection method: clinical testing. Allele origin: germline.

Blueprint Genetics
Classification: Benign. Last evaluated: 2024-11-27. Review status: criteria provided, single submitter. Criteria: ACMG Guidelines, 2015. Collection method: clinical testing. Allele origin: germline.

Mayo Clinic Laboratories, Mayo Clinic
Classification: Benign. Last evaluated: 2022-03-09. Review status: criteria provided, single submitter. Criteria: ACMG Guidelines, 2015. Collection method: clinical testing. Allele origin: germline. Observed: 93 variant alleles.

GeneDx
Classification: Benign. Last evaluated: 2018-11-12. Review status: criteria provided, single submitter. Criteria: GeneDx Variant Classification Process June 2021. Collection method: clinical testing. Allele origin: germline. Affected: yes.

Illumina Laboratory Services, Illumina
Classification: Benign for Liddle syndrome 2. Last evaluated: 2018-01-12. Review status: criteria provided, single submitter. Criteria: ICSL Variant Classification Criteria 13 December 2019. Collection method: clinical testing. Allele origin: germline.
Comment: This variant was observed in the ICSL laboratory as part of a predisposition screen in an ostensibly healthy population. It had not been previously curated by ICSL or reported in the Human Gene Mutation Database (HGMD: prior to June 1st, 2018), and was therefore a candidate for classification through an automated scoring system. Utilizing variant allele frequency, disease prevalence and penetrance estimates, and inheritance mode, an automated score was calculated to assess if this variant is too frequent to cause the disease. Based on the score and internal cut-off values, a variant classified as benign is not then subjected to further curation. The score for this variant resulted in a classification of benign for this disease.

Illumina Laboratory Services, Illumina
Classification: Benign for Pseudohypoaldosteronism, type IB1, autosomal recessive. Last evaluated: 2018-01-12. Review status: criteria provided, single submitter. Criteria: ICSL Variant Classification Criteria 13 December 2019. Collection method: clinical testing. Allele origin: germline.
Comment: the same text as in the submission from Illumina Laboratory Services, Illumina above.

Athena Diagnostics
Classification: Benign. Last evaluated: 2017-07-24. Review status: criteria provided, single submitter. Criteria: Athena Diagnostics Criteria. Collection method: clinical testing. Allele origin: germline.

Laboratory for Molecular Medicine, Mass General Brigham Personalized Medicine
Classification: Benign. Last evaluated: 2013-02-21. Review status: criteria provided, single submitter. Criteria: LMM Criteria. Collection method: clinical testing. Allele origin: germline. Observed: 57 variant alleles.
Comment: Ile158Ile in exon 3 of SCNN1G: This variant is not expected to have clinical sig nificance because it does not alter an amino acid residue and is not located wit hin the splice consensus sequence. It has been identified in 32.1% (2760/8600) o f European American chromosomes from a broad population by the NHLBI Exome Seque ncing Project (dbSNP rs5735).

Breakthrough Genomics
Classification: Benign. Review status: criteria provided, single submitter. Criteria: ACMG Guidelines, 2015. Collection method: not provided. Allele origin: germline. Inheritance: Autosomal dominant inheritance. Affected: yes.

PreventionGenetics, part of Exact Sciences
Classification: Benign. Review status: criteria provided, single submitter. Criteria: ACMG Guidelines, 2015. Collection method: clinical testing. Allele origin: germline.